The following is an entry in ClinVar:

ClinVar aggregate classification (germline): Pathogenic. Review status: criteria provided, single submitter (1 of 4 stars). 2 submissions from 2 submitters: Pathogenic (1). 1 of the submissions does not count toward it. Last evaluated 2025-01-19.

Submissions (2):

GeneDx
Classification: Pathogenic. Last evaluated: 2025-01-19. Review status: criteria provided, single submitter. Criteria: GeneDx Variant Classification Process June 2021. Collection method: clinical testing. Allele origin: germline. Affected: yes.
Comment: Published functional studies suggest a damaging effect as an in vitro functional study with yeast cells indicate this variant is unable to rescue growth (PMID: 37146589); In silico analysis supports that this missense variant has a deleterious effect on protein structure/function; Not observed at significant frequency in large population cohorts (gnomAD); This variant is associated with the following publications: (PMID: 28324312, 16786505, 3170748, 17044854, 33272297, 37146589)

GenMed Metabolism Lab
Classification: Pathogenic. Review status: no assertion criteria provided. Collection method: not provided. Allele origin: unknown. Not counted in ClinVar's aggregate classification.
ClinVar note: Converted during submission from pathogenic to Pathogenic.

NM_000531.6(OTC):c.421C>G (p.Arg141Gly)

Gene: OTC (ornithine transcarbamylase; plus strand). Cytogenetic location: Xp11.4.
Variant type: single nucleotide variant.
Coding change: c.421C>G on transcript NM_000531.6 (MANE Select); coding-DNA position 421, C replaced by G.
Protein change: p.Arg141Gly; replaces arginine 141 with glycine.
Molecular consequence: missense variant.
Genome position (GRCh38, 1-based): chrX:38,401,309, C>G. VCF-style: chrX-38401309-C-G. GRCh37 (hg19) VCF-style: chrX-38260562-C-G.
Other names: short protein forms R141G.
Identifiers: ClinVar variation 97197 (VCV000097197.3), dbSNP rs67960011, ClinGen allele CA224596.
Genomic context (GRCh38, chrX:38,401,309, plus strand): 5'-ATTATCTTTTTCTTGGTTTGCCACAGTGTATTGTCTAGCATGGCAGATGCAGTATTGGCT[C>G]GAGTGTATAAACAATCAGATTTGGACACCCTGGCTAAAGAAGCATCCATCCCAATTATCA-3'
Protein context (NP_000522.3, residues 131-151): LSSMADAVLA[Arg141Gly]VYKQSDLDTL